The following is an entry in ClinVar:

NM_000350.3(ABCA4):c.6569A>G (p.Gln2190Arg)

Gene: ABCA4 (ATP binding cassette subfamily A member 4; minus strand). Cytogenetic location: 1p22.1.
Variant type: single nucleotide variant.
Coding change: c.6569A>G on transcript NM_000350.3 (MANE Select); coding-DNA position 6569, A replaced by G.
Protein change: p.Gln2190Arg; replaces glutamine 2190 with arginine.
Molecular consequence: missense variant.
Genome position (GRCh38, 1-based): chr1:93,998,021, T>C on the plus strand (A>G on the coding strand, the complement: ABCA4 is on the minus strand). VCF-style: chr1-93998021-T-C. GRCh37 (hg19) VCF-style: chr1-94463577-T-C.
Other names: c.6347A>G, p.Gln2116Arg (NM_001425324.1); short protein forms Q2190R, Q2116R.
Identifiers: ClinVar variation 1995867 (VCV001995867.4), dbSNP rs1659058438, ClinGen allele CA341276560.

ClinVar aggregate classification (germline): Uncertain significance (1 of 4 stars; one submission).

Allele frequency attached by ClinVar (database versions not stated): TOPMed below 0.00001.
gnomAD v4.1: 1 of 1,614,088 alleles (0.000062%); no homozygotes.

Submission:

Labcorp Genetics (formerly Invitae), Labcorp
Classification: Uncertain significance. Last evaluated: 2023-05-15. Review status: criteria provided, single submitter. Criteria: Invitae Variant Classification Sherloc (09022015). Collection method: clinical testing. Allele origin: germline.
Comment: In summary, the available evidence is currently insufficient to determine the role of this variant in disease. Therefore, it has been classified as a Variant of Uncertain Significance. Advanced modeling of protein sequence and biophysical properties (such as structural, functional, and spatial information, amino acid conservation, physicochemical variation, residue mobility, and thermodynamic stability) performed at Invitae indicates that this missense variant is not expected to disrupt ABCA4 protein function. ClinVar contains an entry for this variant (Variation ID: 1995867). This variant has not been reported in the literature in individuals affected with ABCA4-related conditions. This variant is not present in population databases (gnomAD no frequency). This sequence change replaces glutamine, which is neutral and polar, with arginine, which is basic and polar, at codon 2190 of the ABCA4 protein (p.Gln2190Arg).